The following is an entry in ClinVar:

ClinVar aggregate classification (germline): Pathogenic (1 of 4 stars; one submission).

Conditions:
Cardiovascular phenotype. Identifiers: MedGen CN230736.

Submission:

Ambry Genetics
Classification: Pathogenic for Cardiovascular phenotype. Last evaluated: 2018-02-20. Review status: criteria provided, single submitter. Criteria: Ambry Variant Classification Scheme 2023. Collection method: clinical testing. Allele origin: germline.
Comment: The c.6060_6061insAlu pathogenic mutation, results from an Alu element insertion within coding exon 24 of the DSP gene. This insertion occurs within the C-terminal domain of the desmoplakin protein, which is involved in binding of cytoskeletal elements (Choi HJ et al. Nat. Struct. Biol., 2002;9:612-20), and is expected to disrupt the protein domain. As such, this alteration is interpreted as a disease-causing mutation.

Literature cited by the submitters: PubMed 12101406.

NM_004415.2:c.6060_6061insALU

Gene: DSP (desmoplakin; plus strand).
Variant type: Insertion.
Identifiers: ClinVar variation 1751334 (VCV001751334.2).